The following is an entry in ClinVar:

ClinVar aggregate classification (germline): Conflicting classifications of pathogenicity. Review status: criteria provided, conflicting classifications (1 of 4 stars). 2 submissions from 2 submitters: Uncertain significance (1); Likely benign (1). Last evaluated 2026-03-01.

Conditions:
Amyotrophic lateral sclerosis type 15. Also called: AMYOTROPHIC LATERAL SCLEROSIS 15 WITH FRONTOTEMPORAL DEMENTIA. Identifiers: Orphanet 803, MedGen C3275459, MONDO:0010459, OMIM 300857.

Submissions (2):

CeGaT Center for Human Genetics Tuebingen
Classification: Likely benign. Last evaluated: 2026-03-01. Review status: criteria provided, single submitter. Criteria: CeGaT Center For Human Genetics Tuebingen Variant Classification Criteria Version 2. Collection method: clinical testing. Allele origin: germline. Affected: yes. Observed: 1 variant allele.
Comment: UBQLN2: BP4, BS2

Labcorp Genetics (formerly Invitae), Labcorp
Classification: Uncertain significance for Amyotrophic lateral sclerosis type 15. Last evaluated: 2024-06-03. Review status: criteria provided, single submitter. Criteria: Invitae Variant Classification Sherloc (09022015). Collection method: clinical testing. Allele origin: germline.
Comment: This sequence change replaces threonine, which is neutral and polar, with methionine, which is neutral and non-polar, at codon 547 of the UBQLN2 protein (p.Thr547Met). This variant is present in population databases (rs779893732, gnomAD 0.008%), including at least one homozygous and/or hemizygous individual. This variant has not been reported in the literature in individuals affected with UBQLN2-related conditions. Advanced modeling of protein sequence and biophysical properties (such as structural, functional, and spatial information, amino acid conservation, physicochemical variation, residue mobility, and thermodynamic stability) performed at Invitae indicates that this missense variant is not expected to disrupt UBQLN2 protein function with a negative predictive value of 80%. In summary, the available evidence is currently insufficient to determine the role of this variant in disease. Therefore, it has been classified as a Variant of Uncertain Significance.

NM_013444.4(UBQLN2):c.1640C>T (p.Thr547Met)

Gene: UBQLN2 (ubiquilin 2; plus strand). Cytogenetic location: Xp11.21.
Variant type: single nucleotide variant.
Coding change: c.1640C>T on transcript NM_013444.4 (MANE Select); coding-DNA position 1640, C replaced by T.
Protein change: p.Thr547Met; replaces threonine 547 with methionine.
Molecular consequence: missense variant.
Genome position (GRCh38, 1-based): chrX:56,565,513, C>T. VCF-style: chrX-56565513-C-T. GRCh37 (hg19) VCF-style: chrX-56591946-C-T.
Other names: short protein forms T547M.
Identifiers: ClinVar variation 3647648 (VCV003647648.6).